The following is an entry in ClinVar:

NM_001365951.3(KIF1B):c.2408C>T (p.Pro803Leu)

Gene: KIF1B (kinesin family member 1B; plus strand). Cytogenetic location: 1p36.22.
Variant type: single nucleotide variant.
Coding change: c.2408C>T on transcript NM_001365951.3 (MANE Select); coding-DNA position 2408, C replaced by T.
Protein change: p.Pro803Leu; replaces proline 803 with leucine.
Molecular consequence: missense variant.
Genome position (GRCh38, 1-based): chr1:10,323,933, C>T. VCF-style: chr1-10323933-C-T. GRCh37 (hg19) VCF-style: chr1-10383991-C-T.
Other names: c.2408C>T, p.Pro803Leu (NM_001365952.1); c.2270C>T, p.Pro757Leu (NM_015074.3); short protein forms P803L, P757L.
Identifiers: ClinVar variation 2448780 (VCV002448780.2), dbSNP rs1185947977, ClinGen allele CA338334513.

ClinVar aggregate classification (germline): Uncertain significance (1 of 4 stars; one submission).

Allele frequency attached by ClinVar (database versions not stated): gnomAD exomes below 0.00001.
gnomAD v4.1: 3 of 1,614,126 alleles (0.00019%); highest among the groups gnomAD compares: Non-Finnish European, 0.00017%; no homozygotes.

Submission:

Ambry Genetics
Classification: Uncertain significance. Last evaluated: 2023-02-19. Review status: criteria provided, single submitter. Criteria: Ambry Variant Classification Scheme 2023. Collection method: clinical testing. Allele origin: germline.
Comment: The p.P757L variant (also known as c.2270C>T), located in coding exon 22 of the KIF1B gene, results from a C to T substitution at nucleotide position 2270. The proline at codon 757 is replaced by leucine, an amino acid with similar properties. This amino acid position is conserved. In addition, the in silico prediction for this alteration is inconclusive. Since supporting evidence is limited at this time, the clinical significance of this alteration remains unclear.